The following is an entry in ClinVar:

NM_021625.5(TRPV4):c.741G>T (p.Glu247Asp)

Gene: TRPV4 (transient receptor potential cation channel subfamily V member 4; minus strand). Cytogenetic location: 12q24.11.
Variant type: single nucleotide variant.
Coding change: c.741G>T on transcript NM_021625.5 (MANE Select); coding-DNA position 741, G replaced by T.
Protein change: p.Glu247Asp; replaces glutamic acid 247 with aspartic acid.
Molecular consequence: missense variant. On other transcripts: intron variant (2).
Genome position (GRCh38, 1-based): chr12:109,800,730, C>A on the plus strand (G>T on the coding strand, the complement: TRPV4 is on the minus strand). VCF-style: chr12-109800730-C-A. GRCh37 (hg19) VCF-style: chr12-110238535-C-A.
Other names: c.639G>T, p.Glu213Asp (NM_001177431.2); c.741G>T, p.Glu247Asp (NM_147204.3); c.713-1818G>T (NM_001177433.1, NM_001177428.1); short protein forms E213D, E247D.
Identifiers: ClinVar variation 4803075 (VCV004803075.1).

ClinVar aggregate classification (germline): Uncertain significance (1 of 4 stars; one submission).

Conditions:
Charcot-Marie-Tooth disease axonal type 2C (HMSN2C). Also called: Charcot-Marie-Tooth Neuropathy Type 2C; CHARCOT-MARIE-TOOTH DISEASE, AXONAL, AUTOSOMAL DOMINANT, TYPE 2C; Charcot-Marie-Tooth Disease Type 2, TRPV4-Related (CMT2C). Identifiers: Orphanet 99937, MedGen C1853710, MONDO:0011633, OMIM 606071.

Submission:

Labcorp Genetics (formerly Invitae), Labcorp
Classification: Uncertain significance for Charcot-Marie-Tooth disease axonal type 2C. Last evaluated: 2025-08-31. Review status: criteria provided, single submitter. Criteria: Invitae Variant Classification Sherloc (09022015). Collection method: clinical testing. Allele origin: germline.
Comment: This sequence change replaces glutamic acid, which is acidic and polar, with aspartic acid, which is acidic and polar, at codon 247 of the TRPV4 protein (p.Glu247Asp). This variant is not present in population databases (gnomAD no frequency). This variant has not been reported in the literature in individuals affected with TRPV4-related conditions. Invitae Evidence Modeling of protein sequence and biophysical properties (such as structural, functional, and spatial information, amino acid conservation, physicochemical variation, residue mobility, and thermodynamic stability) indicates that this missense variant is not expected to disrupt TRPV4 protein function with a negative predictive value of 95%. In summary, the available evidence is currently insufficient to determine the role of this variant in disease. Therefore, it has been classified as a Variant of Uncertain Significance.